The following is an entry in ClinVar:

ClinVar aggregate classification (germline): Pathogenic (1 of 4 stars; one submission).

Submission:

Labcorp Genetics (formerly Invitae), Labcorp
Classification: Pathogenic. Last evaluated: 2023-04-24. Review status: criteria provided, single submitter. Criteria: Invitae Variant Classification Sherloc (09022015). Collection method: clinical testing. Allele origin: germline.
Comment: For these reasons, this variant has been classified as Pathogenic. Algorithms developed to predict the effect of sequence changes on RNA splicing suggest that this variant may create or strengthen a splice site. ClinVar contains an entry for this variant (Variation ID: 2010611). This variant has not been reported in the literature in individuals affected with MYO15A-related conditions. This variant is not present in population databases (gnomAD no frequency). This sequence change creates a premature translational stop signal (p.Gln1892*) in the MYO15A gene. It is expected to result in an absent or disrupted protein product. Loss-of-function variants in MYO15A are known to be pathogenic (PMID: 17546645).

Literature cited by the submitters: PubMed 17546645.

NM_016239.4(MYO15A):c.5674C>T (p.Gln1892Ter)

Gene: MYO15A (myosin XVA; plus strand). Cytogenetic location: 17p11.2.
Variant type: single nucleotide variant.
Coding change: c.5674C>T on transcript NM_016239.4 (MANE Select); coding-DNA position 5674, C replaced by T.
Protein change: p.Gln1892Ter; replaces glutamine 1892 with a stop codon.
Molecular consequence: nonsense.
Genome position (GRCh38, 1-based): chr17:18,142,103, C>T. VCF-style: chr17-18142103-C-T. GRCh37 (hg19) VCF-style: chr17-18045417-C-T.
Other names: short protein forms Q1892*.
Identifiers: ClinVar variation 2010611 (VCV002010611.4), dbSNP rs763782350, ClinGen allele CA398603191.
Genomic context (GRCh38, chr17:18,142,103, plus strand): 5'-CTCCTATCTGCCTCAGTGCCTTCCTCCTGTCCTTAGCTGTTCCTTAAGGAACACCTATAC[C>T]AGCTGCTGGAGAGTATGCGAGAGCATGTCCTGAATCTGGCAGCCCTCACTCTGCAGCGCT-3'